The following is an entry in ClinVar:

NM_001365276.2(TNXB):c.8031C>T (p.His2677=)

Gene: TNXB (tenascin XB; minus strand). Cytogenetic location: 6p21.33.
Variant type: single nucleotide variant.
Coding change: c.8031C>T on transcript NM_001365276.2 (MANE Select); coding-DNA position 8031, C replaced by T.
Protein change: p.His2677=; no amino-acid change (histidine 2677 retained).
Molecular consequence: synonymous variant.
Genome position (GRCh38, 1-based): chr6:32,056,698, G>A on the plus strand (C>T on the coding strand, the complement: TNXB is on the minus strand). VCF-style: chr6-32056698-G-A. GRCh37 (hg19) VCF-style: chr6-32024475-G-A.
Other names: c.8031C>T, p.His2677= (NM_019105.8).
Identifiers: ClinVar variation 1188391 (VCV001188391.5), dbSNP rs777770266, ClinGen allele CA3733982.

ClinVar aggregate classification (germline): Likely benign. Review status: criteria provided, multiple submitters, no conflicts (2 of 4 stars). 3 submissions from 3 submitters: Likely benign (3). Last evaluated 2024-11-22.

Conditions:
Cardiovascular phenotype. Identifiers: MedGen CN230736.
TNXB-related disorder. Also called: TNXB-related condition.

Allele frequency attached by ClinVar (database versions not stated): gnomAD exomes 0.00005; ExAC 0.00003; gnomAD 0.00004; TOPMed 0.00004.
gnomAD v4.1: 49 of 1,612,970 alleles (0.003%); highest among the groups gnomAD compares: Middle Eastern, 0.033%; 1 homozygote.

Submissions (3):

PreventionGenetics, part of Exact Sciences
Classification: Likely benign for TNXB-related condition. Last evaluated: 2024-11-22. Review status: criteria provided, single submitter. Criteria: ACMG Guidelines, 2015. Collection method: clinical testing. Allele origin: germline.
Comment: This variant is classified as likely benign based on ACMG/AMP sequence variant interpretation guidelines (Richards et al. 2015 PMID: 25741868, with internal and published modifications).

Ambry Genetics
Classification: Likely benign for Cardiovascular phenotype. Last evaluated: 2022-05-09. Review status: criteria provided, single submitter. Criteria: Ambry Variant Classification Scheme 2023. Collection method: clinical testing. Allele origin: germline.

GeneDx
Classification: Likely benign. Last evaluated: 2020-09-08. Review status: criteria provided, single submitter. Criteria: GeneDx Variant Classification Process June 2021. Collection method: clinical testing. Allele origin: germline. Affected: yes.